The following is an entry in ClinVar:

ClinVar aggregate classification (germline): Uncertain significance. Review status: criteria provided, multiple submitters, no conflicts (2 of 4 stars). 3 submissions from 3 submitters: Uncertain significance (3). Last evaluated 2025-12-08.

Allele frequency attached by ClinVar (database versions not stated): gnomAD exomes below 0.00001 and 0.00002; gnomAD 0.00001 and 0.00002; ExAC 0.00002; TOPMed 0.00002; 1000 Genomes Project 30x 0.00016; 1000 Genomes Project 0.00020.
gnomAD v4.1: 8 of 1,613,458 alleles (0.0005%); highest among the groups gnomAD compares: Admixed American, 0.0083%; no homozygotes.

Submissions (3):

Labcorp Genetics (formerly Invitae), Labcorp
Classification: Uncertain significance. Last evaluated: 2025-12-08. Review status: criteria provided, single submitter. Criteria: Invitae Variant Classification Sherloc (09022015). Collection method: clinical testing. Allele origin: germline.
Comment: This sequence change replaces methionine, which is neutral and non-polar, with threonine, which is neutral and polar, at codon 305 of the MYO7A protein (p.Met305Thr). This variant is present in population databases (rs191294730, gnomAD 0.0009%). This variant has not been reported in the literature in individuals affected with MYO7A-related conditions. ClinVar contains an entry for this variant (Variation ID: 1310554). Invitae Evidence Modeling of protein sequence and biophysical properties (such as structural, functional, and spatial information, amino acid conservation, physicochemical variation, residue mobility, and thermodynamic stability) indicates that this missense variant is expected to disrupt MYO7A protein function with a positive predictive value of 80%. In summary, the available evidence is currently insufficient to determine the role of this variant in disease. Therefore, it has been classified as a Variant of Uncertain Significance.

Blueprint Genetics
Classification: Uncertain significance. Last evaluated: 2024-11-05. Review status: criteria provided, single submitter. Criteria: ACMG Guidelines, 2015. Collection method: clinical testing. Allele origin: germline.

GeneDx
Classification: Uncertain significance. Last evaluated: 2024-04-25. Review status: criteria provided, single submitter. Criteria: GeneDx Variant Classification Process June 2021. Collection method: clinical testing. Allele origin: germline. Affected: yes.
Comment: In silico analysis supports that this missense variant has a deleterious effect on protein structure/function; Has not been previously published as pathogenic or benign to our knowledge

NM_000260.4(MYO7A):c.914T>C (p.Met305Thr)

Gene: MYO7A (myosin VIIA; plus strand). Cytogenetic location: 11q13.5.
Variant type: single nucleotide variant.
Coding change: c.914T>C on transcript NM_000260.4 (MANE Select); coding-DNA position 914, T replaced by C.
Protein change: p.Met305Thr; replaces methionine 305 with threonine.
Molecular consequence: missense variant.
Genome position (GRCh38, 1-based): chr11:77,158,341, T>C. VCF-style: chr11-77158341-T-C. GRCh37 (hg19) VCF-style: chr11-76869387-T-C.
Other names: c.914T>C, p.Met305Thr (NM_001127180.2); c.881T>C, p.Met294Thr (NM_001369365.1); short protein forms M294T, M305T.
Identifiers: ClinVar variation 1310554 (VCV001310554.6), dbSNP rs191294730, ClinGen allele CA6197303.